The following is an entry in ClinVar:

NM_006767.4(LZTR1):c.1836_1838del (p.Ile612del)

Gene: LZTR1 (leucine zipper like post translational regulator 1; plus strand). Cytogenetic location: 22q11.21.
Variant type: Deletion.
Coding change: c.1836_1838del on transcript NM_006767.4 (MANE Select); coding-DNA positions 1836 to 1838, 3 bases deleted (CAT; older notation c.1836_1838delCAT).
Protein change: p.Ile612del; deletes isoleucine 612.
Genome position (GRCh38, 1-based): chr22:20,994,920-20,994,922, CAT deleted; deleting any 3 consecutive bases within chr22:20,994,918-20,994,922 gives the same sequence; the c. name uses the placement nearest the transcript's 3' end. VCF-style (leftmost placement, unchanged base first): chr22-20994917-GATC-G. GRCh37 (hg19) VCF-style: chr22-21349206-GATC-G.
Other names: short protein forms I612del.
Identifiers: ClinVar variation 5023760 (VCV005023760.1).

ClinVar aggregate classification (germline): Uncertain significance (1 of 4 stars; one submission).

Conditions:
Cardiovascular phenotype. Identifiers: MedGen CN230736.
Hereditary cancer-predisposing syndrome. Also called: Neoplastic Syndromes, Hereditary; Tumor predisposition; Hereditary neoplastic syndrome; Hereditary Cancer Syndrome. Identifiers: Orphanet 140162, MedGen C0027672, MeSH D009386, MONDO:0015356.

Submission:

Ambry Genetics
Classification: Uncertain significance for Cardiovascular phenotype; Hereditary cancer-predisposing syndrome. Last evaluated: 2026-07-08. Review status: criteria provided, single submitter. Criteria: Ambry Variant Classification Scheme 2023. Collection method: clinical testing. Allele origin: germline.
Comment: The c.1836_1838delCAT variant (also known as p.I612del) is located in coding exon 16 of the LZTR1 gene. This variant results from an in-frame CAT deletion at nucleotide positions 1836 to 1838. This results in the in-frame deletion of an isoleucine at codon 612. This amino acid position is highly conserved in available vertebrate species. In addition, this variant is predicted to be deleterious by in silico analysis (Choi Y et al. PLoS ONE. 2012; 7(10):e46688). Based on the available evidence, the clinical significance of this variant remains unclear.